The following is an entry in ClinVar:

NM_012431.3(SEMA3E):c.907G>C (p.Asp303His)

Gene: SEMA3E (semaphorin 3E; minus strand). Cytogenetic location: 7q21.11.
Variant type: single nucleotide variant.
Coding change: c.907G>C on transcript NM_012431.3 (MANE Select); coding-DNA position 907, G replaced by C.
Protein change: p.Asp303His; replaces aspartic acid 303 with histidine.
Molecular consequence: missense variant.
Genome position (GRCh38, 1-based): chr7:83,405,966, C>G on the plus strand (G>C on the coding strand, the complement: SEMA3E is on the minus strand). VCF-style: chr7-83405966-C-G. GRCh37 (hg19) VCF-style: chr7-83035282-C-G.
Other names: c.907G>C (NM_012431.2); c.727G>C, p.Asp243His (NM_001178129.2); short protein forms D243H, D303H.
Identifiers: ClinVar variation 2420027 (VCV002420027.8), dbSNP rs1360883404, ClinGen allele CA367929895.

ClinVar aggregate classification (germline): Uncertain significance. Review status: criteria provided, multiple submitters, no conflicts (2 of 4 stars). 3 submissions from 3 submitters: Uncertain significance (3). Last evaluated 2025-09-23.

Conditions:
SEMA3E-related disorder. Also called: SEMA3E-related condition.
CHARGE syndrome (CHARGE). Also called: Hittner Hirsch Kreh syndrome; CHARGE ASSOCIATION--COLOBOMA, HEART ANOMALY, CHOANAL ATRESIA, RETARDATION, GENITAL AND EAR ANOMALIES; Coloboma, heart anomaly, choanal atresia, retardation, genital and ear anomalies; CHARGE association; Hall-Hittner syndrome. Identifiers: Orphanet 138, MedGen C0265354, MONDO:0008965.

Allele frequency attached by ClinVar (database versions not stated): gnomAD 0.00001; gnomAD exomes 0.00001; TOPMed 0.00002.
gnomAD v4.1: 8 of 1,612,360 alleles (0.0005%); highest among the groups gnomAD compares: Admixed American, 0.0067%; no homozygotes.

Submissions (3):

PreventionGenetics, part of Exact Sciences
Classification: Uncertain significance for SEMA3E-related condition. Last evaluated: 2025-09-23. Review status: criteria provided, single submitter. Criteria: ACMG Guidelines, 2015. Collection method: clinical testing. Allele origin: germline.
Comment: The SEMA3E c.907G>C variant is predicted to result in the amino acid substitution p.Asp303His. To our knowledge, this variant has not been reported in the literature. This variant is reported in 0.00088% of alleles in individuals of European (Non-Finnish) descent in gnomAD. At this time, the clinical significance of this variant is uncertain due to the absence of conclusive functional and genetic evidence.

Labcorp Genetics (formerly Invitae), Labcorp
Classification: Uncertain significance for CHARGE syndrome. Last evaluated: 2025-06-12. Review status: criteria provided, single submitter. Criteria: Invitae Variant Classification Sherloc (09022015). Collection method: clinical testing. Allele origin: germline.
Comment: This sequence change replaces aspartic acid, which is acidic and polar, with histidine, which is basic and polar, at codon 303 of the SEMA3E protein (p.Asp303His). This variant is present in population databases (no rsID available, gnomAD 0.0009%). This variant has not been reported in the literature in individuals affected with SEMA3E-related conditions. ClinVar contains an entry for this variant (Variation ID: 2420027). Invitae Evidence Modeling of protein sequence and biophysical properties (such as structural, functional, and spatial information, amino acid conservation, physicochemical variation, residue mobility, and thermodynamic stability) indicates that this missense variant is not expected to disrupt SEMA3E protein function with a negative predictive value of 80%. In summary, the available evidence is currently insufficient to determine the role of this variant in disease. Therefore, it has been classified as a Variant of Uncertain Significance.

Laboratory of Prof. Karen Avraham, Tel Aviv University
Classification: Uncertain significance for CHD7-related CHARGE syndrome. Last evaluated: 2024-12-25. Review status: criteria provided, single submitter. Criteria: ACMG Guidelines, 2015. Collection method: research. Allele origin: germline. Affected: yes. Observed: 1 variant allele.
Comment: The SEMA3E c.907G>C:p.(Asp303His) is extremely rare and predicted deleterious.